The following is an entry in ClinVar:

NM_001386393.1(PANK2):c.-5C>T

Genes: PANK2 (pantothenate kinase 2; plus strand), LOC130065345 (ATAC-STARR-seq lymphoblastoid silent region 12635; plus strand). Cytogenetic location: 20p13.
Variant type: single nucleotide variant.
Coding change: c.-5C>T on transcript NM_001386393.1 (MANE Select); 5 bases upstream of the start codon, C replaced by T.
Molecular consequence: 5 prime UTR variant. On other transcripts: missense variant (2), non-coding transcript variant (1), intron variant (1).
Genome position (GRCh38, 1-based): chr20:3,889,426, C>T. VCF-style: chr20-3889426-C-T. GRCh37 (hg19) VCF-style: chr20-3870073-C-T.
Other names: c.-716C>T (NM_001324191.2); c.326C>T, p.Pro109Leu (NM_001324192.1, NM_153638.4); c.-246+522C>T (NM_024960.6); short protein forms P109L.
Identifiers: ClinVar variation 560651 (VCV000560651.8), dbSNP rs746763863, ClinGen allele CA9750548.
Genomic context (GRCh38, chr20:3,889,426, plus strand): 5'-GCCGGCCGAGGGCGCGCCTCTGCTCTGGCTGGACTGCCGCGGAGGAGGCGAGAAGGAATC[C>T]GACGCTGGGGGGCTTGCTCGGGCGGCAGCGACTGCTGCTGCGGATGGGAGGGGGCCGGCT-3'

ClinVar aggregate classification (germline): Uncertain significance. Review status: criteria provided, multiple submitters, no conflicts (2 of 4 stars). 4 submissions from 4 submitters: Uncertain significance (3). 1 of the submissions does not count toward it. Last evaluated 2025-07-26.

Conditions:
Pigmentary pallidal degeneration (NBIA1). Also called: Pantothenate Kinase-Associated Neurodegeneration; PKAN NEUROAXONAL DYSTROPHY, JUVENILE-ONSET; Neuroaxonal dystrophy, late infantile; Hallervorden-Spatz disease; HARP SYNDROME; Neurodegeneration with brain iron accumulation 1. Identifiers: Orphanet 157850, MedGen C0018523, MONDO:0009319, OMIM 234200.
Inborn genetic diseases. Identifiers: MedGen C0950123, MeSH D030342.

Allele frequency attached by ClinVar (database versions not stated): TOPMed 0.00005; 1000 Genomes Project 30x 0.00016.
gnomAD v4.1: 26 of 1,567,420 alleles (0.0017%); highest among the groups gnomAD compares: African/African-American, 0.013%; no homozygotes.

Submissions (4):

GeneDx
Classification: Uncertain significance. Last evaluated: 2025-07-26. Review status: criteria provided, single submitter. Criteria: GeneDx Variant Classification Process June 2021. Collection method: clinical testing. Allele origin: germline. Affected: yes.
Comment: Not observed at significant frequency in large population cohorts (gnomAD); In silico analysis suggests that this missense variant does not alter protein structure/function; Has not been previously published as pathogenic or benign to our knowledge

Labcorp Genetics (formerly Invitae), Labcorp
Classification: Uncertain significance for Pigmentary pallidal degeneration. Last evaluated: 2024-10-22. Review status: criteria provided, single submitter. Criteria: Invitae Variant Classification Sherloc (09022015). Collection method: clinical testing. Allele origin: germline.
Comment: This sequence change replaces proline, which is neutral and non-polar, with leucine, which is neutral and non-polar, at codon 109 of the PANK2 protein (p.Pro109Leu). The frequency data for this variant in the population databases is considered unreliable, as metrics indicate poor data quality at this position in the gnomAD database. This variant has not been reported in the literature in individuals affected with PANK2-related conditions. ClinVar contains an entry for this variant (Variation ID: 560651). Invitae Evidence Modeling of protein sequence and biophysical properties (such as structural, functional, and spatial information, amino acid conservation, physicochemical variation, residue mobility, and thermodynamic stability) indicates that this missense variant is not expected to disrupt PANK2 protein function with a negative predictive value of 95%. In summary, the available evidence is currently insufficient to determine the role of this variant in disease. Therefore, it has been classified as a Variant of Uncertain Significance.

Ambry Genetics
Classification: Uncertain significance for Inborn genetic diseases. Last evaluated: 2024-03-31. Review status: criteria provided, single submitter. Criteria: Ambry Variant Classification Scheme 2023. Collection method: clinical testing. Allele origin: germline.

Clinical Molecular Genetics Laboratory, Johns Hopkins All Children's Hospital
Classification: Uncertain significance. Last evaluated: 2017-02-14. Review status: no assertion criteria provided. Collection method: clinical testing. Allele origin: germline. Affected: yes. Not counted in ClinVar's aggregate classification.